The following is an entry in ClinVar:

NM_147127.5(EVC2):c.1342G>A (p.Asp448Asn)

Genes: EVC2 (EvC ciliary complex subunit 2; minus strand), LOC126806961 (BRD4-independent group 4 enhancer GRCh37_chr4:5641443-5642642; plus strand). Cytogenetic location: 4p16.2.
Variant type: single nucleotide variant.
Coding change: c.1342G>A on transcript NM_147127.5 (MANE Select); coding-DNA position 1342, G replaced by A.
Protein change: p.Asp448Asn; replaces aspartic acid 448 with asparagine.
Molecular consequence: missense variant.
Genome position (GRCh38, 1-based): chr4:5,640,642, C>T on the plus strand (G>A on the coding strand, the complement: EVC2 is on the minus strand). VCF-style: chr4-5640642-C-T. GRCh37 (hg19) VCF-style: chr4-5642369-C-T.
Other names: c.1102G>A, p.Asp368Asn (NM_001166136.2); c.1342G>A (NM_147127.4); short protein forms D368N, D448N.
Identifiers: ClinVar variation 2021579 (VCV002021579.3), dbSNP rs748111872, ClinGen allele CA2835089.

ClinVar aggregate classification (germline): Uncertain significance. Review status: criteria provided, multiple submitters, no conflicts (2 of 4 stars). 2 submissions from 2 submitters: Uncertain significance (2). Last evaluated 2024-10-14.

Conditions:
Inborn genetic diseases. Identifiers: MedGen C0950123, MeSH D030342.
Ellis-van Creveld syndrome (EVC). Also called: EVC-Related Ellis-van Creveld Syndrome; EVC2-Related Ellis-van Creveld Syndrome; MESOECTODERMAL DYSPLASIA; Chondroectodermal dysplasia. Identifiers: Orphanet 289, MedGen C0013903, MONDO:0009162, OMIM 225500.
Curry-Hall syndrome (WAD). Also called: WEYERS ACRODENTAL DYSOSTOSIS. Identifiers: Orphanet 952, MedGen C0457013, MONDO:0008673, OMIM 193530.

Allele frequency attached by ClinVar (database versions not stated): ExAC 0.00002.

Submissions (2):

Labcorp Genetics (formerly Invitae), Labcorp
Classification: Uncertain significance for Curry-Hall syndrome; Ellis-van Creveld syndrome. Last evaluated: 2024-10-14. Review status: criteria provided, single submitter. Criteria: Invitae Variant Classification Sherloc (09022015). Collection method: clinical testing. Allele origin: germline.
Comment: This sequence change replaces aspartic acid, which is acidic and polar, with asparagine, which is neutral and polar, at codon 448 of the EVC2 protein (p.Asp448Asn). This variant is present in population databases (rs748111872, gnomAD 0.03%). This variant has not been reported in the literature in individuals affected with EVC2-related conditions. ClinVar contains an entry for this variant (Variation ID: 2021579). An algorithm developed to predict the effect of missense changes on protein structure and function (PolyPhen-2) suggests that this variant is likely to be disruptive. In summary, the available evidence is currently insufficient to determine the role of this variant in disease. Therefore, it has been classified as a Variant of Uncertain Significance.

Ambry Genetics
Classification: Uncertain significance for Inborn genetic diseases. Last evaluated: 2024-09-04. Review status: criteria provided, single submitter. Criteria: Ambry Variant Classification Scheme 2023. Collection method: clinical testing. Allele origin: germline.